The following is an entry in ClinVar:

NM_004260.4(RECQL4):c.2597G>A (p.Gly866Glu)

Gene: RECQL4 (RecQ like helicase 4; minus strand). Cytogenetic location: 8q24.3.
Variant type: single nucleotide variant.
Coding change: c.2597G>A on transcript NM_004260.4 (MANE Select); coding-DNA position 2597, G replaced by A.
Protein change: p.Gly866Glu; replaces glycine 866 with glutamic acid.
Molecular consequence: missense variant.
Genome position (GRCh38, 1-based): chr8:144,513,005, C>T on the plus strand (G>A on the coding strand, the complement: RECQL4 is on the minus strand). VCF-style: chr8-144513005-C-T. GRCh37 (hg19) VCF-style: chr8-145738388-C-T.
Other names: short protein forms G866E.
Identifiers: ClinVar variation 939839 (VCV000939839.8), dbSNP rs1827541354, ClinGen allele CA372676908.

ClinVar aggregate classification (germline): Uncertain significance. Review status: criteria provided, multiple submitters, no conflicts (2 of 4 stars). 2 submissions from 2 submitters: Uncertain significance (2). Last evaluated 2024-12-22.

Conditions:
Inborn genetic diseases. Identifiers: MedGen C0950123, MeSH D030342.
Baller-Gerold syndrome (BGS). Also called: CRANIOSYNOSTOSIS WITH RADIAL DEFECTS. Identifiers: Orphanet 1225, MedGen C0265308, MONDO:0009039, OMIM 218600.

Submissions (2):

Ambry Genetics
Classification: Uncertain significance for Inborn genetic diseases. Last evaluated: 2024-12-22. Review status: criteria provided, single submitter. Criteria: Ambry Variant Classification Scheme 2023. Collection method: clinical testing. Allele origin: germline.
Comment: The p.G866E variant (also known as c.2597G>A), located in coding exon 15 of the RECQL4 gene, results from a G to A substitution at nucleotide position 2597. The glycine at codon 866 is replaced by glutamic acid, an amino acid with similar properties. This amino acid position is conserved. In addition, this alteration is predicted to be tolerated by in silico analysis. Based on the available evidence, the clinical significance of this variant remains unclear.

Labcorp Genetics (formerly Invitae), Labcorp
Classification: Uncertain significance for Baller-Gerold syndrome. Last evaluated: 2019-07-29. Review status: criteria provided, single submitter. Criteria: Invitae Variant Classification Sherloc (09022015). Collection method: clinical testing. Allele origin: germline.
Comment: In summary, the available evidence is currently insufficient to determine the role of this variant in disease. Therefore, it has been classified as a Variant of Uncertain Significance. Algorithms developed to predict the effect of missense changes on protein structure and function (SIFT, PolyPhen-2, Align-GVGD) all suggest that this variant is likely to be tolerated, but these predictions have not been confirmed by published functional studies and their clinical significance is uncertain. This variant has not been reported in the literature in individuals with RECQL4-related conditions. This variant is not present in population databases (ExAC no frequency). This sequence change replaces glycine with glutamic acid at codon 866 of the RECQL4 protein (p.Gly866Glu). The glycine residue is weakly conserved and there is a moderate physicochemical difference between glycine and glutamic acid.